The following is an entry in ClinVar:

NM_000059.4(BRCA2):c.6319C>G (p.Pro2107Ala)

Gene: BRCA2 (BRCA2 DNA repair associated; plus strand). Cytogenetic location: 13q13.1.
Variant type: single nucleotide variant.
Coding change: c.6319C>G on transcript NM_000059.4 (MANE Select); coding-DNA position 6319, C replaced by G.
Protein change: p.Pro2107Ala; replaces proline 2107 with alanine.
Molecular consequence: missense variant.
Genome position (GRCh38, 1-based): chr13:32,340,674, C>G. VCF-style: chr13-32340674-C-G. GRCh37 (hg19) VCF-style: chr13-32914811-C-G.
Other names: c.6319C>G (NM_000059.3); short protein forms P2107A.
Identifiers: ClinVar variation 1464582 (VCV001464582.11), dbSNP rs1593908231, ClinGen allele CA387789061.

ClinVar aggregate classification (germline): Conflicting classifications of pathogenicity. Review status: criteria provided, conflicting classifications (1 of 4 stars). 3 submissions from 3 submitters: Uncertain significance (2); Likely benign (1). Last evaluated 2025-03-10.

Conditions:
Hereditary breast ovarian cancer syndrome. Also called: Hereditary breast and ovarian cancer; Breast and ovarian cancer; BRCA1- and BRCA2-Associated Hereditary Breast and Ovarian Cancer; Hereditary breast and/or ovarian cancer syndrome; Hereditary breast and ovarian cancer syndrome; Hereditary breast and ovarian cancer syndrome (HBOC). Identifiers: Orphanet 145, MedGen C0677776, MeSH D061325, MONDO:0003582. Disease mechanism: loss of function.
Hereditary cancer-predisposing syndrome. Also called: Tumor predisposition; Hereditary neoplastic syndrome; Hereditary Cancer Syndrome; Neoplastic Syndromes, Hereditary. Identifiers: Orphanet 140162, MedGen C0027672, MeSH D009386, MONDO:0015356.

Allele frequency attached by ClinVar (database versions not stated): TOPMed below 0.00001; gnomAD 0.00001.
gnomAD v4.1: 1 of 1,608,786 alleles (0.000062%); highest among the groups gnomAD compares: Non-Finnish European, 0.000085%; no homozygotes.

Submissions (3):

Ambry Genetics
Classification: Uncertain significance for Hereditary cancer-predisposing syndrome. Last evaluated: 2025-03-10. Review status: criteria provided, single submitter. Criteria: Ambry Variant Classification Scheme 2023. Collection method: clinical testing. Allele origin: germline.
Comment: The p.P2107A variant (also known as c.6319C>G), located in coding exon 10 of the BRCA2 gene, results from a C to G substitution at nucleotide position 6319. The proline at codon 2107 is replaced by alanine, an amino acid with highly similar properties. This amino acid position is conserved. In addition, this alteration is predicted to be tolerated by in silico analysis. Based on the available evidence, the clinical significance of this variant remains unclear.

University of Washington Department of Laboratory Medicine, University of Washington
Classification: Likely benign for Hereditary cancer-predisposing syndrome. Last evaluated: 2023-03-23. Review status: criteria provided, single submitter. Criteria: Dines et al. (Genet Med. 2020). Collection method: curation. Allele origin: germline.
Comment: Missense variant in a coldspot region where missense variants are very unlikely to be pathogenic (PMID:31911673).

BRCA2 exon 11 coldspot. Reclassification based on statistical prior probability.

Labcorp Genetics (formerly Invitae), Labcorp
Classification: Uncertain significance for Hereditary breast ovarian cancer syndrome. Last evaluated: 2022-07-02. Review status: criteria provided, single submitter. Criteria: Invitae Variant Classification Sherloc (09022015). Collection method: clinical testing. Allele origin: germline.
Comment: This sequence change replaces proline, which is neutral and non-polar, with alanine, which is neutral and non-polar, at codon 2107 of the BRCA2 protein (p.Pro2107Ala). This variant is not present in population databases (gnomAD no frequency). In summary, the available evidence is currently insufficient to determine the role of this variant in disease. Therefore, it has been classified as a Variant of Uncertain Significance. Advanced modeling of protein sequence and biophysical properties (such as structural, functional, and spatial information, amino acid conservation, physicochemical variation, residue mobility, and thermodynamic stability) performed at Invitae indicates that this missense variant is not expected to disrupt BRCA2 protein function. ClinVar contains an entry for this variant (Variation ID: 1464582). This variant has not been reported in the literature in individuals affected with BRCA2-related conditions.